The following is an entry in ClinVar:

NM_198578.4(LRRK2):c.3446T>G (p.Leu1149Arg)

Gene: LRRK2 (leucine rich repeat kinase 2; plus strand). Cytogenetic location: 12q12.
Variant type: single nucleotide variant.
Coding change: c.3446T>G on transcript NM_198578.4 (MANE Select); coding-DNA position 3446, T replaced by G.
Protein change: p.Leu1149Arg; replaces leucine 1149 with arginine.
Molecular consequence: missense variant.
Genome position (GRCh38, 1-based): chr12:40,299,207, T>G. VCF-style: chr12-40299207-T-G. GRCh37 (hg19) VCF-style: chr12-40693009-T-G.
Other names: short protein forms L1149R.
Identifiers: ClinVar variation 1731512 (VCV001731512.2), dbSNP rs762736323, ClinGen allele CA384415863.

ClinVar aggregate classification (germline): Uncertain significance (1 of 4 stars; one submission).

Conditions:
Inborn genetic diseases. Identifiers: MedGen C0950123, MeSH D030342.

Submission:

Ambry Genetics
Classification: Uncertain significance for Inborn genetic diseases. Last evaluated: 2022-02-05. Review status: criteria provided, single submitter. Criteria: Ambry Variant Classification Scheme 2023. Collection method: clinical testing. Allele origin: germline.
Comment: The p.L1149R variant (also known as c.3446T>G), located in coding exon 25 of the LRRK2 gene, results from a T to G substitution at nucleotide position 3446. The leucine at codon 1149 is replaced by arginine, an amino acid with dissimilar properties. This amino acid position is conserved. In addition, the in silico prediction for this alteration is inconclusive. Since supporting evidence is limited at this time, the clinical significance of this alteration remains unclear.